The following is an entry in ClinVar:

ClinVar aggregate classification (germline): Likely pathogenic (1 of 4 stars; one submission).

Conditions:
Dyskeratosis congenita, autosomal dominant 1 (DKCA1). Also called: Dyskeratosis congenita Scoggins type. Identifiers: Orphanet 1775, MedGen C4551974, MONDO:0007485, OMIM 127550. Inheritance: Variable.

Submission:

Victorian Clinical Genetics Services, Murdoch Childrens Research Institute
Classification: Likely pathogenic for Dyskeratosis congenita, autosomal dominant 1. Last evaluated: 2025-08-31. Review status: criteria provided, single submitter. Criteria: ACMG Guidelines, 2015. Collection method: clinical testing. Allele origin: germline. Affected: yes.
Comment: This variant is classified as Likely pathogenic. Evidence in support of pathogenic classification: Variant is absent from gnomAD (v2, v3 and v4); Variant is located in the well-established functional J2b/3 loop in the TERC pseudoknot structure. Nucleotides 99 to 104 have been demonstrated as critical for telomerase activity (PMID: 15849264). Additional information: Non-coding variant without known or predicted effect; This variant is heterozygous; This gene is associated with autosomal dominant disease; This variant has no previous evidence of pathogenicity; No published segregation evidence has been identified for this variant; No published functional evidence has been identified for this variant; No comparable deletion variants have previous evidence for pathogenicity; Loss of function is a known mechanism of disease in this gene and is associated with dyskeratosis congenita, autosomal dominant 1 (MIM#127550) and pulmonary fibrosis and/or bone marrow failure syndrome, telomere-related, 2 (MIM#614743); Variants in this gene are known to have variable expressivity (OMIM).

Literature cited by the submitters: PubMed 15849264.

NR_001566.3(TERC):n.98_101del

Genes: TERC (telomerase RNA component; minus strand), LOC110806306 (telomerase RNA component (TERC) promoter; plus strand). Cytogenetic location: 3q26.2.
Variant type: Deletion.
Molecular consequence: non-coding transcript variant (on NR_001566.3).
Genome position: GRCh38 VCF-style: chr3-169764959-AAAAC-A. GRCh37 (hg19) VCF-style: chr3-169482747-AAAAC-A.
Identifiers: ClinVar variation 4531881 (VCV004531881.1).